The following is an entry in ClinVar:

NM_000548.5(TSC2):c.4273G>C (p.Gly1425Arg)

Gene: TSC2 (TSC complex subunit 2; plus strand). Cytogenetic location: 16p13.3.
Variant type: single nucleotide variant.
Coding change: c.4273G>C on transcript NM_000548.5 (MANE Select); coding-DNA position 4273, G replaced by C.
Protein change: p.Gly1425Arg; replaces glycine 1425 with arginine.
Molecular consequence: missense variant.
Genome position (GRCh38, 1-based): chr16:2,084,495, G>C. VCF-style: chr16-2084495-G-C. GRCh37 (hg19) VCF-style: chr16-2134496-G-C.
Other names: c.4072G>C, p.Gly1358Arg (NM_001077183.3); c.4204G>C, p.Gly1402Arg (NM_001114382.3); c.3964G>C, p.Gly1322Arg (NM_001318827.2); c.3928G>C, p.Gly1310Arg (NM_001318829.2); c.3541G>C, p.Gly1181Arg (NM_001318831.2); c.4105G>C, p.Gly1369Arg (NM_001318832.2); c.4075G>C, p.Gly1359Arg (NM_001363528.2); c.4141G>C, p.Gly1381Arg (NM_001370404.1); and 1 more; short protein forms G1425R, G1181R, G1358R, G1369R, G1381R, G1382R, G1402R, G1310R.
Identifiers: ClinVar variation 468076 (VCV000468076.18), dbSNP rs763497329, ClinGen allele CA394300730.

ClinVar aggregate classification (germline): Conflicting classifications of pathogenicity. Review status: criteria provided, conflicting classifications (1 of 4 stars). 5 submissions from 5 submitters: Uncertain significance (3); Benign (1); Likely benign (1). Last evaluated 2025-09-02.

Conditions:
Hereditary cancer-predisposing syndrome. Also called: Hereditary neoplastic syndrome; Neoplastic Syndromes, Hereditary; Tumor predisposition; Hereditary Cancer Syndrome. Identifiers: Orphanet 140162, MedGen C0027672, MeSH D009386, MONDO:0015356.
Tuberous sclerosis 2 (TSC2). Identifiers: Orphanet 805, MedGen C1860707, MONDO:0013199, OMIM 613254.
Tuberous sclerosis syndrome (TSC). Also called: Tuberous Sclerosis Complex; Tuberous sclerosis. Identifiers: Orphanet 805, MedGen C0041341, MONDO:0001734.

gnomAD v4.1: 6 of 1,609,154 alleles (0.00037%); highest among the groups gnomAD compares: Non-Finnish European, 0.00051%; no homozygotes.

Submissions (5):

Ambry Genetics
Classification: Uncertain significance for Hereditary cancer-predisposing syndrome. Last evaluated: 2025-09-02. Review status: criteria provided, single submitter. Criteria: Ambry Variant Classification Scheme 2023. Collection method: clinical testing. Allele origin: germline.
Comment: The p.G1425R variant (also known as c.4273G>C), located in coding exon 33 of the TSC2 gene, results from a G to C substitution at nucleotide position 4273. The glycine at codon 1425 is replaced by arginine, an amino acid with dissimilar properties. This amino acid position is not well conserved in available vertebrate species. In addition, the in silico prediction for this alteration is inconclusive. Since supporting evidence is limited at this time, the clinical significance of this alteration remains unclear.

Labcorp Genetics (formerly Invitae), Labcorp
Classification: Benign for Tuberous sclerosis 2. Last evaluated: 2025-05-19. Review status: criteria provided, single submitter. Criteria: Invitae Variant Classification Sherloc (09022015). Collection method: clinical testing. Allele origin: germline.

Myriad Genetics, Inc.
Classification: Likely benign for Tuberous sclerosis 2. Last evaluated: 2024-08-20. Review status: criteria provided, single submitter. Criteria: Myriad Autosomal Dominant, Autosomal Recessive and X-Linked Classification Criteria (2023). Collection method: clinical testing. Allele origin: unknown.
Comment: This variant is considered likely benign. This variant has been observed at a population frequency that is significantly greater than expected given the associated disease prevalence and penetrance.

Color Diagnostics, LLC DBA Color Health
Classification: Uncertain significance for Tuberous sclerosis syndrome. Last evaluated: 2024-04-18. Review status: criteria provided, single submitter. Criteria: ACMG Guidelines, 2015. Collection method: clinical testing. Allele origin: germline.
Comment: This missense variant replaces glycine with arginine at codon 1425 of the TSC2 protein. Computational prediction suggests that this variant may not impact protein structure and function. To our knowledge, functional studies have not been reported for this variant. This variant has not been reported in individuals affected with tuberous sclerosis complex in the literature. This variant has not been identified in the general population by the Genome Aggregation Database (gnomAD). The available evidence is insufficient to determine the role of this variant in disease conclusively. Therefore, this variant is classified as a Variant of Uncertain Significance.

GeneDx
Classification: Uncertain significance. Last evaluated: 2023-01-31. Review status: criteria provided, single submitter. Criteria: GeneDx Variant Classification Process June 2021. Collection method: clinical testing. Allele origin: germline. Affected: yes.
Comment: Not observed at significant frequency in large population cohorts (gnomAD); In silico analysis supports that this missense variant does not alter protein structure/function; Has not been previously published as pathogenic or benign to our knowledge; This variant is associated with the following publications: (PMID: 23514105)